The following is an entry in ClinVar:

ClinVar aggregate classification (germline): Likely pathogenic (1 of 4 stars; one submission).

Conditions:
Autosomal recessive polycystic kidney disease (ARPKD). Also called: AR polycystic kidney disease. Identifiers: Orphanet 731, Orphanet 8378, MedGen C0085548, MeSH D017044, MONDO:0009889.

Submission:

Natera, Inc.
Classification: Likely pathogenic for Autosomal recessive polycystic kidney disease. Last evaluated: 2026-01-30. Review status: criteria provided, single submitter. Criteria: Natera Variant Classification Schema (03/2026). Collection method: clinical testing. Allele origin: germline.
Comment: The c.2822-1G>T variant in PKHD1 is a canonical splice acceptor site variant predicted to affect pre-mRNA splicing, which may result in an abnormal transcript and altered protein product. This variant is expected to result in nonsense mediated decay, truncation, or a dysfunctional protein product. This variant is rare in the general population with a frequency below the threshold expected for the associated phenotype(s). Given the available evidence, this variant is classified as Likely Pathogenic.

NM_138694.4(PKHD1):c.2822-1G>T

Gene: PKHD1 (PKHD1 ciliary IPT domain containing fibrocystin/polyductin; minus strand). Cytogenetic location: 6p12.2.
Variant type: single nucleotide variant.
Coding change: c.2822-1G>T on transcript NM_138694.4 (MANE Select); the canonical splice acceptor site of the intron before coding-DNA position 2822, G replaced by T.
Molecular consequence: splice acceptor variant.
Genome position (GRCh38, 1-based): chr6:52,043,135, C>A on the plus strand (G>T on the coding strand, the complement: PKHD1 is on the minus strand). VCF-style: chr6-52043135-C-A. GRCh37 (hg19) VCF-style: chr6-51907933-C-A.
Other names: c.2822-1G>T (NM_170724.3).
Identifiers: ClinVar variation 4816621 (VCV004816621.1).